The following is an entry in ClinVar:

ClinVar aggregate classification (germline): Likely benign (1 of 4 stars; one submission).

Submission:

CeGaT Center for Human Genetics Tuebingen
Classification: Likely benign. Last evaluated: 2022-10-01. Review status: criteria provided, single submitter. Criteria: CeGaT Center For Human Genetics Tuebingen Variant Classification Criteria Version 2. Collection method: clinical testing. Allele origin: germline. Affected: yes. Observed: 1 variant allele.
Comment: SYDE2: PM2:Supporting, BP4, BP7

NC_000001.11:g.85201507C>T

Genes: SYDE2 (synapse defective Rho GTPase homolog 2; minus strand), LOC129930865 (ATAC-STARR-seq lymphoblastoid silent region 1031; plus strand). Cytogenetic location: 1p22.3.
Variant type: single nucleotide variant.
Genome position: GRCh38 VCF-style: chr1-85201507-C-T. GRCh37 (hg19) VCF-style: chr1-85667190-C-T.
Identifiers: ClinVar variation 2638906 (VCV002638906.24), dbSNP rs1385569506, ClinGen allele CA2695198054.